The following is an entry in ClinVar:

NM_058216.3(RAD51C):c.858G>C (p.Met286Ile)

Gene: RAD51C (RAD51 paralog C; plus strand). Cytogenetic location: 17q22.
Variant type: single nucleotide variant.
Coding change: c.858G>C on transcript NM_058216.3 (MANE Select); coding-DNA position 858, G replaced by C.
Protein change: p.Met286Ile; replaces methionine 286 with isoleucine.
Molecular consequence: missense variant. On other transcripts: non-coding transcript variant (1).
Genome position (GRCh38, 1-based): chr17:58,720,766, G>C. VCF-style: chr17-58720766-G-C. GRCh37 (hg19) VCF-style: chr17-56798127-G-C.
Other names: c.858G>C (NM_058216.1); short protein forms M286I.
Identifiers: ClinVar variation 1037190 (VCV001037190.9), dbSNP rs2048890830, ClinGen allele CA400359448.
Genomic context (GRCh38, chr17:58,720,766, plus strand): 5'-AAAGAGACTCACCTAATTTTCTTACATTTTGTTTTTGTAGGTAATTTTAACCAATCAGAT[G>C]ACAACAAAGATTGATAGAAATCAGGCCTTGCTTGTTCCTGCATTAGGTGGGTAATTAATC-3'
Protein context (NP_478123.1, residues 276-296): HRLAVILTNQ[Met286Ile]TTKIDRNQAL

ClinVar aggregate classification (germline): Uncertain significance. Review status: criteria provided, multiple submitters, no conflicts (2 of 4 stars). 2 submissions from 2 submitters: Uncertain significance (2). Last evaluated 2025-08-15.

Conditions:
Fanconi anemia complementation group O. Also called: RAD51C-Related Fanconi Anemia. Identifiers: Orphanet 84, MedGen C3150653, MONDO:0013248, OMIM 613390.
Hereditary cancer-predisposing syndrome. Also called: Neoplastic Syndromes, Hereditary; Hereditary Cancer Syndrome; Tumor predisposition; Hereditary neoplastic syndrome. Identifiers: Orphanet 140162, MedGen C0027672, MeSH D009386, MONDO:0015356.

Submissions (2):

Ambry Genetics
Classification: Uncertain significance for Hereditary cancer-predisposing syndrome. Last evaluated: 2025-08-15. Review status: criteria provided, single submitter. Criteria: Ambry Variant Classification Scheme 2023. Collection method: clinical testing. Allele origin: germline.
Comment: The p.M286I variant (also known as c.858G>C), located in coding exon 6 of the RAD51C gene, results from a G to C substitution at nucleotide position 858. The methionine at codon 286 is replaced by isoleucine, an amino acid with highly similar properties. This amino acid position is conserved. In addition, the in silico prediction for this alteration is inconclusive. Based on the available evidence, the clinical significance of this variant remains unclear.

Labcorp Genetics (formerly Invitae), Labcorp
Classification: Uncertain significance for Fanconi anemia complementation group O. Last evaluated: 2020-09-09. Review status: criteria provided, single submitter. Criteria: Invitae Variant Classification Sherloc (09022015). Collection method: clinical testing. Allele origin: germline.
Comment: This sequence change replaces methionine with isoleucine at codon 286 of the RAD51C protein (p.Met286Ile). The methionine residue is highly conserved and there is a small physicochemical difference between methionine and isoleucine. This variant is not present in population databases (ExAC no frequency). This variant has not been reported in the literature in individuals with RAD51C-related conditions. Algorithms developed to predict the effect of missense changes on protein structure and function (SIFT, PolyPhen-2, Align-GVGD) all suggest that this variant is likely to be tolerated, but these predictions have not been confirmed by published functional studies and their clinical significance is uncertain. In summary, the available evidence is currently insufficient to determine the role of this variant in disease. Therefore, it has been classified as a Variant of Uncertain Significance.